The following is an entry in ClinVar:

NM_005208.5(CRYBA1):c.101C>T (p.Thr34Ile)

Gene: CRYBA1 (crystallin beta A1; plus strand). Cytogenetic location: 17q11.2.
Variant type: single nucleotide variant.
Coding change: c.101C>T on transcript NM_005208.5 (MANE Select); coding-DNA position 101, C replaced by T.
Protein change: p.Thr34Ile; replaces threonine 34 with isoleucine.
Molecular consequence: missense variant.
Genome position (GRCh38, 1-based): chr17:29,250,186, C>T. VCF-style: chr17-29250186-C-T. GRCh37 (hg19) VCF-style: chr17-27577204-C-T.
Other names: short protein forms T34I.
Identifiers: ClinVar variation 2787126 (VCV002787126.3), dbSNP rs896498350, ClinGen allele CA398475639.
Genomic context (GRCh38, chr17:29,250,186, plus strand): 5'-GGACCTCTGTTTTTCCTGATGTTCTAGCTCTCTTGCGCCATTCAATCTCATTTCAGATAA[C>T]CATCTATGATCAGGAGAACTTTCAGGGCAAGAGGATGGAGTTCACCAGCTCCTGTCCAAA-3'
Protein context (NP_005199.2, residues 24-44): TPGSLGPWKI[Thr34Ile]IYDQENFQGK

ClinVar aggregate classification (germline): Uncertain significance (1 of 4 stars; one submission).

Conditions:
Cataract 10 multiple types. Also called: CATARACT 10, CONGENITAL ZONULAR, WITH SUTURAL OPACITIES. Identifiers: Orphanet 91492, MedGen C1833229, MONDO:0010948, OMIM 600881.

Submission:

Labcorp Genetics (formerly Invitae), Labcorp
Classification: Uncertain significance for Cataract 10 multiple types. Last evaluated: 2023-12-07. Review status: criteria provided, single submitter. Criteria: Invitae Variant Classification Sherloc (09022015). Collection method: clinical testing. Allele origin: germline.
Comment: This sequence change replaces threonine, which is neutral and polar, with isoleucine, which is neutral and non-polar, at codon 34 of the CRYBA1 protein (p.Thr34Ile). This variant is not present in population databases (gnomAD no frequency). This variant has not been reported in the literature in individuals affected with CRYBA1-related conditions. An algorithm developed to predict the effect of missense changes on protein structure and function (PolyPhen-2) suggests that this variant is likely to be tolerated. In summary, the available evidence is currently insufficient to determine the role of this variant in disease. Therefore, it has been classified as a Variant of Uncertain Significance.